The following is an entry in ClinVar:

NM_020208.4(SLC6A20):c.*1328T>C

Gene: SLC6A20 (solute carrier family 6 member 20; minus strand). Cytogenetic location: 3p21.31.
Variant type: single nucleotide variant.
Coding change: c.*1328T>C on transcript NM_020208.4 (MANE Select); 1328 bases downstream of the stop codon, T replaced by C.
Molecular consequence: 3 prime UTR variant.
Genome position (GRCh38, 1-based): chr3:45,757,650, A>G on the plus strand (T>C on the coding strand, the complement: SLC6A20 is on the minus strand). VCF-style: chr3-45757650-A-G. GRCh37 (hg19) VCF-style: chr3-45799142-A-G.
Other names: c.*1328T>C (NM_022405.4).
Identifiers: ClinVar variation 345375 (VCV000345375.5), dbSNP rs144151884, ClinGen allele CA10616547.

ClinVar aggregate classification (germline): Benign (1 of 4 stars; one submission).

Conditions:
Hyperglycinuria. Also called: GLYCINURIA WITH OR WITHOUT OXALATE NEPHROLITHIASIS; GLYCINURIA WITH OR WITHOUT OXALATE UROLITHIASIS; IMINOGLYCINURIA TYPE II. Identifiers: MedGen C0543541, MONDO:0007677, OMIM 138500, HP:0003108.

Allele frequency attached by ClinVar (database versions not stated): gnomAD exomes 0.00008; gnomAD 0.01322 and 0.01425; 1000 Genomes Project 0.01398; 1000 Genomes Project 30x 0.01421; TOPMed 0.01594.
gnomAD v4.1: 1,997 of 164,962 alleles (1.2%); highest among the groups gnomAD compares: African/African-American, 4.6%; 41 homozygotes.

Submission:

Illumina Laboratory Services, Illumina
Classification: Benign for Hyperglycinuria. Last evaluated: 2018-01-13. Review status: criteria provided, single submitter. Criteria: ICSL Variant Classification Criteria 13 December 2019. Collection method: clinical testing. Allele origin: germline.
Comment: This variant was observed in the ICSL laboratory as part of a predisposition screen in an ostensibly healthy population. It had not been previously curated by ICSL or reported in the Human Gene Mutation Database (HGMD: prior to June 1st, 2018), and was therefore a candidate for classification through an automated scoring system. Utilizing variant allele frequency, disease prevalence and penetrance estimates, and inheritance mode, an automated score was calculated to assess if this variant is too frequent to cause the disease. Based on the score and internal cut-off values, a variant classified as benign is not then subjected to further curation. The score for this variant resulted in a classification of benign for this disease.